The following is an entry in ClinVar:

ClinVar aggregate classification (germline): Uncertain significance. Review status: criteria provided, multiple submitters, no conflicts (2 of 4 stars). 2 submissions from 2 submitters: Uncertain significance (2). Last evaluated 2025-06-07.

Conditions:
Inborn genetic diseases. Identifiers: MedGen C0950123, MeSH D030342.
Combined immunodeficiency due to DOCK8 deficiency (HIES2). Also called: HYPER-IgE SYNDROME 2, AUTOSOMAL RECESSIVE, WITH RECURRENT INFECTIONS; DOCK8 Deficiency; HYPER-IgE RECURRENT INFECTION SYNDROME 2, AUTOSOMAL RECESSIVE; HIES autosomal recessive; Hyper-IgE recurrent infection syndrome, autosomal recessive. Identifiers: Orphanet 217390, MedGen C4722305, MONDO:0009478, OMIM 243700.

Submissions (2):

Ambry Genetics
Classification: Uncertain significance for Inborn genetic diseases. Last evaluated: 2025-06-07. Review status: criteria provided, single submitter. Criteria: Ambry Variant Classification Scheme 2023. Collection method: clinical testing. Allele origin: germline.

Labcorp Genetics (formerly Invitae), Labcorp
Classification: Uncertain significance for Combined immunodeficiency due to DOCK8 deficiency. Last evaluated: 2024-02-22. Review status: criteria provided, single submitter. Criteria: Invitae Variant Classification Sherloc (09022015). Collection method: clinical testing. Allele origin: germline.
Comment: This sequence change replaces aspartic acid, which is acidic and polar, with histidine, which is basic and polar, at codon 342 of the DOCK8 protein (p.Asp342His). This variant is not present in population databases (gnomAD no frequency). This variant has not been reported in the literature in individuals affected with DOCK8-related conditions. ClinVar contains an entry for this variant (Variation ID: 1955056). Advanced modeling of protein sequence and biophysical properties (such as structural, functional, and spatial information, amino acid conservation, physicochemical variation, residue mobility, and thermodynamic stability) performed at Invitae indicates that this missense variant is expected to disrupt DOCK8 protein function with a positive predictive value of 80%. In summary, the available evidence is currently insufficient to determine the role of this variant in disease. Therefore, it has been classified as a Variant of Uncertain Significance.

NM_203447.4(DOCK8):c.1024G>C (p.Asp342His)

Gene: DOCK8 (dedicator of cytokinesis 8; plus strand). Cytogenetic location: 9p24.3.
Variant type: single nucleotide variant.
Coding change: c.1024G>C on transcript NM_203447.4 (MANE Select); coding-DNA position 1024, G replaced by C.
Protein change: p.Asp342His; replaces aspartic acid 342 with histidine.
Molecular consequence: missense variant.
Genome position (GRCh38, 1-based): chr9:328,151, G>C. VCF-style: chr9-328151-G-C. GRCh37 (hg19) VCF-style: chr9-328151-G-C.
Other names: c.820G>C, p.Asp274His (NM_001190458.2, NM_001193536.2); short protein forms D342H, D274H.
Identifiers: ClinVar variation 1955056 (VCV001955056.6), dbSNP rs2537911961, ClinGen allele CA372751472.